The following is an entry in ClinVar:

ClinVar aggregate classification (germline): Benign/Likely benign. Review status: criteria provided, multiple submitters, no conflicts (2 of 4 stars). 5 submissions from 5 submitters: Benign (3); Likely benign (2). Last evaluated 2026-06-01.

Conditions:
Glycogen storage disease due to phosphoglycerate kinase 1 deficiency. Also called: PGK1 DEFICIENCY; PHOSPHOGLYCERATE KINASE 1 DEFICIENCY WITH LEVO-DOPA-RESPONSIVE PARKINSONISM. Identifiers: Orphanet 713, MedGen C1970848, MONDO:0010392, OMIM 300653.

Allele frequency attached by ClinVar (database versions not stated): ESP Exome Variant Server 0.00208; 1000 Genomes Project 0.00424; 1000 Genomes Project 30x 0.00458; gnomAD exomes 0.00043; ExAC 0.00054; gnomAD 0.00144 and 0.00145; TOPMed 0.00152.
gnomAD v4.1: 294 of 1,206,282 alleles (0.024%); highest among the groups gnomAD compares: African/African-American, 0.48%; no homozygotes.

Submissions (6):

CeGaT Center for Human Genetics Tuebingen
Classification: Likely benign. Last evaluated: 2026-06-01. Review status: criteria provided, single submitter. Criteria: CeGaT Center For Human Genetics Tuebingen Variant Classification Criteria Version 2. Collection method: clinical testing. Allele origin: germline. Affected: yes. Observed: 1 variant allele.
Comment: PGK1: BP4, BS2

Labcorp Genetics (formerly Invitae), Labcorp
Classification: Benign. Last evaluated: 2025-12-05. Review status: criteria provided, single submitter. Criteria: Invitae Variant Classification Sherloc (09022015). Collection method: clinical testing. Allele origin: germline.

ARUP Laboratories, Molecular Genetics and Genomics, ARUP Laboratories
Classification: Benign for Glycogen storage disease due to phosphoglycerate kinase 1 deficiency. Last evaluated: 2025-05-09. Review status: criteria provided, single submitter. Criteria: ARUP Molecular Germline Variant Investigation Process 2024. Collection method: clinical testing. Allele origin: germline.

Blueprint Genetics
Classification: Likely benign. Last evaluated: 2024-09-11. Review status: criteria provided, single submitter. Criteria: ACMG Guidelines, 2015. Collection method: clinical testing. Allele origin: germline.

Breakthrough Genomics
Classification: Benign. Review status: criteria provided, single submitter. Criteria: ACMG Guidelines, 2015. Collection method: not provided. Allele origin: germline. Inheritance: X-linked inheritance. Affected: yes.

Dr. Peter K. Rogan Lab, Western University
No classification provided (evidence only). Condition: Familial cancer of breast. Review status: no classification provided. Collection method: in vitro. Allele origin: not applicable. Functional consequence: skipped exon. Not counted in ClinVar's aggregate classification.

NM_000291.4(PGK1):c.171G>A (p.Ser57=)

Gene: PGK1 (phosphoglycerate kinase 1; plus strand). Cytogenetic location: Xq21.1.
Variant type: single nucleotide variant.
Coding change: c.171G>A on transcript NM_000291.4 (MANE Select); coding-DNA position 171, G replaced by A.
Protein change: p.Ser57=; no amino-acid change (serine 57 retained).
Molecular consequence: synonymous variant.
Genome position (GRCh38, 1-based): chrX:78,113,798, G>A. VCF-style: chrX-78113798-G-A. GRCh37 (hg19) VCF-style: chrX-77369295-G-A.
Identifiers: ClinVar variation 716259 (VCV000716259.24), dbSNP rs78165041, ClinGen allele CA10459629.